The following is an entry in ClinVar:

NM_014804.3(KIAA0753):c.1190G>A (p.Gly397Asp)

Gene: KIAA0753 (KIAA0753; minus strand). Cytogenetic location: 17p13.1.
Variant type: single nucleotide variant.
Coding change: c.1190G>A on transcript NM_014804.3 (MANE Select); coding-DNA position 1190, G replaced by A.
Protein change: p.Gly397Asp; replaces glycine 397 with aspartic acid.
Molecular consequence: missense variant. On other transcripts: non-coding transcript variant (3).
Genome position (GRCh38, 1-based): chr17:6,620,913, C>T on the plus strand (G>A on the coding strand, the complement: KIAA0753 is on the minus strand). VCF-style: chr17-6620913-C-T. GRCh37 (hg19) VCF-style: chr17-6524233-C-T.
Other names: c.293G>A, p.Gly98Asp (NM_001351225.2); short protein forms G397D, G98D.
Identifiers: ClinVar variation 1524071 (VCV001524071.6), dbSNP rs2150879081, ClinGen allele CA397412494.
Genomic context (GRCh38, chr17:6,620,913, plus strand): 5'-AGGGGCCTCCTCTCACCCTTTGGTGATGTACTTGGCCATCTCTCCAAGGCCTTTTGGCTA[C>T]CGATAGGAAATCTGCTCCGAATTTCACTGAAACATTTTTTCACCTTTTTTGGTGACAGTT-3'
Protein context (NP_055619.2, residues 387-407): FSEIRSRFPI[Gly397Asp]SQKALERWPS

ClinVar aggregate classification (germline): Uncertain significance (1 of 4 stars; one submission).

Submission:

Labcorp Genetics (formerly Invitae), Labcorp
Classification: Uncertain significance. Last evaluated: 2021-10-10. Review status: criteria provided, single submitter. Criteria: Invitae Variant Classification Sherloc (09022015). Collection method: clinical testing. Allele origin: germline.
Comment: In summary, the available evidence is currently insufficient to determine the role of this variant in disease. Therefore, it has been classified as a Variant of Uncertain Significance. Algorithms developed to predict the effect of missense changes on protein structure and function output the following: SIFT: "Tolerated"; PolyPhen-2: "Probably Damaging"; Align-GVGD: "Class C0". The aspartic acid amino acid residue is found in multiple mammalian species, which suggests that this missense change does not adversely affect protein function. This variant has not been reported in the literature in individuals affected with KIAA0753-related conditions. This variant is not present in population databases (ExAC no frequency). This sequence change replaces glycine with aspartic acid at codon 397 of the KIAA0753 protein (p.Gly397Asp). The glycine residue is highly conserved and there is a moderate physicochemical difference between glycine and aspartic acid.